The following is an entry in ClinVar:

NM_173076.3(ABCA12):c.1179A>G (p.Pro393=)

Gene: ABCA12 (ATP binding cassette subfamily A member 12; minus strand). Cytogenetic location: 2q35.
Variant type: single nucleotide variant.
Coding change: c.1179A>G on transcript NM_173076.3 (MANE Select); coding-DNA position 1179, A replaced by G.
Protein change: p.Pro393=; no amino-acid change (proline 393 retained).
Molecular consequence: synonymous variant. On other transcripts: non-coding transcript variant (1).
Genome position (GRCh38, 1-based): chr2:215,026,821, T>C on the plus strand (A>G on the coding strand, the complement: ABCA12 is on the minus strand). VCF-style: chr2-215026821-T-C. GRCh37 (hg19) VCF-style: chr2-215891545-T-C.
Other names: c.225A>G, p.Pro75= (NM_015657.4).
Identifiers: ClinVar variation 3058322 (VCV003058322.2), dbSNP rs200733839, ClinGen allele CA2092324.

ClinVar aggregate classification (germline): Likely benign (0 of 4 stars; one submission).

Conditions:
ABCA12-related disorder. Also called: ABCA12-related condition.

Allele frequency attached by ClinVar (database versions not stated): gnomAD 0.00003; TOPMed 0.00003; ExAC 0.00004; gnomAD exomes 0.00009.
gnomAD v4.1: 138 of 1,595,638 alleles (0.0086%); highest among the groups gnomAD compares: Non-Finnish European, 0.011%; no homozygotes.

Submission:

PreventionGenetics, part of Exact Sciences
Classification: Likely benign for ABCA12-related condition. Last evaluated: 2020-03-06. Review status: no assertion criteria provided. Collection method: clinical testing. Allele origin: germline.
Comment: This variant is classified as likely benign based on ACMG/AMP sequence variant interpretation guidelines (Richards et al. 2015 PMID: 25741868, with internal and published modifications).